The following is an entry in ClinVar:

NM_000181.4(GUSB):c.35T>C (p.Leu12Pro)

Gene: GUSB (glucuronidase beta; minus strand). Cytogenetic location: 7q11.21.
Variant type: single nucleotide variant.
Coding change: c.35T>C on transcript NM_000181.4 (MANE Select); coding-DNA position 35, T replaced by C.
Protein change: p.Leu12Pro; replaces leucine 12 with proline.
Molecular consequence: missense variant. On other transcripts: 5 prime UTR variant (2), non-coding transcript variant (1).
Genome position (GRCh38, 1-based): chr7:65,982,149, A>G on the plus strand (T>C on the coding strand, the complement: GUSB is on the minus strand). VCF-style: chr7-65982149-A-G. GRCh37 (hg19) VCF-style: chr7-65447136-A-G.
Other names: c.35T>C, p.Leu12Pro (NM_001284290.2); c.-351T>C (NM_001293104.2); c.-295T>C (NM_001293105.2); short protein forms L12P.
Identifiers: ClinVar variation 3339490 (VCV003339490.1).

ClinVar aggregate classification (germline): Uncertain significance (1 of 4 stars; one submission).

gnomAD v4.1: 2 of 1,531,018 alleles (0.00013%); highest among the groups gnomAD compares: African/African-American, 0.0014%; no homozygotes.

Submission:

Women's Health and Genetics/Laboratory Corporation of America, LabCorp
Classification: Uncertain significance. Last evaluated: 2024-07-16. Review status: criteria provided, single submitter. Criteria: LabCorp Variant Classification Summary - May 2015. Collection method: clinical testing. Allele origin: germline.
Comment: Variant summary: GUSB c.35T>C (p.Leu12Pro) results in a non-conservative amino acid change in the encoded protein sequence. Three of five in-silico tools predict a damaging effect of the variant on protein function. The frequency data for this variant in gnomAD is considered unreliable, as metrics indicate poor data quality at this position. c.35T>C has been reported in the literature in the compound heterozygous state in at least one individual affected with nonimmune hydrops fetalis (e.g. Sparks_2020). These data do not allow any conclusion about variant significance. To our knowledge, no experimental evidence demonstrating an impact on protein function has been reported. The following publication have been ascertained in the context of this evaluation (PMID: 33027564). No submitters have cited clinical-significance assessments for this variant to ClinVar. Based on the evidence outlined above, the variant was classified as uncertain significance.

Literature cited by the submitters: PubMed 33027564.